The following is an entry in ClinVar:

NM_003079.5(SMARCE1):c.1144A>G (p.Thr382Ala)

Gene: SMARCE1 (SWI/SNF related BAF chromatin remodeling complex subunit E1; minus strand). Cytogenetic location: 17q21.2.
Variant type: single nucleotide variant.
Coding change: c.1144A>G on transcript NM_003079.5 (MANE Select); coding-DNA position 1144, A replaced by G.
Protein change: p.Thr382Ala; replaces threonine 382 with alanine.
Molecular consequence: missense variant.
Genome position (GRCh38, 1-based): chr17:40,628,877, T>C on the plus strand (A>G on the coding strand, the complement: SMARCE1 is on the minus strand). VCF-style: chr17-40628877-T-C. GRCh37 (hg19) VCF-style: chr17-38785129-T-C.
Other names: short protein forms T382A.
Identifiers: ClinVar variation 665300 (VCV000665300.7), dbSNP rs1597741239, ClinGen allele CA399361167.

ClinVar aggregate classification (germline): Uncertain significance. Review status: criteria provided, multiple submitters, no conflicts (2 of 4 stars). 2 submissions from 2 submitters: Uncertain significance (2). Last evaluated 2025-04-19.

Conditions:
Hereditary cancer-predisposing syndrome. Also called: Tumor predisposition; Hereditary neoplastic syndrome; Neoplastic Syndromes, Hereditary; Hereditary Cancer Syndrome. Identifiers: Orphanet 140162, MedGen C0027672, MeSH D009386, MONDO:0015356.
Familial meningioma. Also called: Meningioma, familial, susceptibility to. Identifiers: Orphanet 263662, MedGen C3551915, MONDO:0011789, OMIM 607174.

Allele frequency attached by ClinVar (database versions not stated): gnomAD exomes below 0.00001.

Submissions (2):

Ambry Genetics
Classification: Uncertain significance for Hereditary cancer-predisposing syndrome. Last evaluated: 2025-04-19. Review status: criteria provided, single submitter. Criteria: Ambry Variant Classification Scheme 2023. Collection method: clinical testing. Allele origin: germline.
Comment: The p.T382A variant (also known as c.1144A>G), located in coding exon 10 of the SMARCE1 gene, results from an A to G substitution at nucleotide position 1144. The threonine at codon 382 is replaced by alanine, an amino acid with similar properties. This amino acid position is conserved. In addition, this alteration is predicted to be tolerated by in silico analysis. Based on the available evidence, the clinical significance of this variant remains unclear.

Labcorp Genetics (formerly Invitae), Labcorp
Classification: Uncertain significance for Familial meningioma. Last evaluated: 2022-07-01. Review status: criteria provided, single submitter. Criteria: Invitae Variant Classification Sherloc (09022015). Collection method: clinical testing. Allele origin: germline.
Comment: In summary, the available evidence is currently insufficient to determine the role of this variant in disease. Therefore, it has been classified as a Variant of Uncertain Significance. Algorithms developed to predict the effect of missense changes on protein structure and function are either unavailable or do not agree on the potential impact of this missense change (SIFT: "Tolerated"; PolyPhen-2: "Possibly Damaging"; Align-GVGD: "Class C0"). ClinVar contains an entry for this variant (Variation ID: 665300). This variant has not been reported in the literature in individuals affected with SMARCE1-related conditions. This variant is not present in population databases (gnomAD no frequency). This sequence change replaces threonine, which is neutral and polar, with alanine, which is neutral and non-polar, at codon 382 of the SMARCE1 protein (p.Thr382Ala).